The following is an entry in ClinVar:

NM_001393769.1(MED12L):c.397G>A (p.Val133Ile)

Gene: MED12L (mediator complex subunit 12L; plus strand). Cytogenetic location: 3q25.1.
Variant type: single nucleotide variant.
Coding change: c.397G>A on transcript NM_001393769.1 (MANE Select); coding-DNA position 397, G replaced by A.
Protein change: p.Val133Ile; replaces valine 133 with isoleucine.
Molecular consequence: missense variant.
Genome position (GRCh38, 1-based): chr3:151,127,825, G>A. VCF-style: chr3-151127825-G-A. GRCh37 (hg19) VCF-style: chr3-150845612-G-A.
Other names: c.397G>A, p.Val133Ile (NM_053002.6); short protein forms V133I.
Identifiers: ClinVar variation 4882088 (VCV004882088.2).
Genomic context (GRCh38, chr3:151,127,825, plus strand): 5'-TTATCTAGTGATGAACACAGTACGTGATTATTATAAATATACTATGTTGTTTCTTTTTAG[G>A]TTCCTATCCTTAGTAAAAAAGAGGATGTTTTTGCATATTTAGCTAAATATTCTGTGCCAA-3'
Protein context (NP_001380698.1, residues 123-143): NKPLSILAKK[Val133Ile]PILSKKEDVF

ClinVar aggregate classification (germline): Uncertain significance (1 of 4 stars; one submission).

Conditions:
Nizon-Isidor syndrome. Identifiers: MedGen C5394350, MONDO:0030030, OMIM 618872.

gnomAD v4.1: 1 of 1,594,608 alleles (0.000063%); highest among the groups gnomAD compares: Non-Finnish European, 0.000086%; no homozygotes.

Submission:

Dasa
Classification: Uncertain significance for Nizon-Isidor syndrome. Last evaluated: 2026-02-27. Review status: criteria provided, single submitter. Criteria: DASA Assertion Criteria. Collection method: clinical testing. Allele origin: germline.
Comment: NM_001393769.1(MED12L):c.397G>A (p.Val133Ile) is a missense variant that results in the substitution of valine with isoleucine. This variant is rare in population databases. Computational prediction algorithms are consistent with a deleterious effect. The currently available literature and clinical evidence are not sufficient to establish a definitive association between this variant and the reported condition. Therefore, this variant is classified as a variant of uncertain significance.